The following is an entry in ClinVar:

ClinVar aggregate classification (germline): Pathogenic (1 of 4 stars; one submission).

Conditions:
Developmental and epileptic encephalopathy, 9 (DEE9). Also called: JUBERG-HELLMAN SYNDROME; PCDH19-Related X-Linked Female-Limited Epilepsy with Mental Retardation; Early infantile epileptic encephalopathy 9; EPILEPSY, FEMALE-RESTRICTED, WITH MENTAL RETARDATION. Identifiers: Orphanet 101039, Orphanet 2076, MedGen C1848137, MONDO:0010246, OMIM 300088. Disease mechanism: loss of function.

Submission:

Labcorp Genetics (formerly Invitae), Labcorp
Classification: Pathogenic for Developmental and epileptic encephalopathy, 9. Last evaluated: 2024-01-24. Review status: criteria provided, single submitter. Criteria: Invitae Variant Classification Sherloc (09022015). Collection method: clinical testing. Allele origin: germline.
Comment: This sequence change creates a premature translational stop signal (p.Ser830Hisfs*16) in the PCDH19 gene. It is expected to result in an absent or disrupted protein product. Loss-of-function variants in PCDH19 are known to be pathogenic (PMID: 21053371). This variant is not present in population databases (gnomAD no frequency). This variant has not been reported in the literature in individuals affected with PCDH19-related conditions. For these reasons, this variant has been classified as Pathogenic.

Literature cited by the submitters: PubMed 21053371.

NM_001184880.2(PCDH19):c.2488_2489del (p.Ser830fs)

Genes: PCDH19 (protocadherin 19; minus strand), LOC125467768 (CDK7 strongly-dependent group 2 enhancer GRCh37_chrX:99657381-99658580; plus strand). Cytogenetic location: Xq22.1.
Variant type: Microsatellite.
Coding change: c.2488_2489del on transcript NM_001184880.2 (MANE Select); coding-DNA positions 2488 to 2489, 2 bases deleted (AG; older notation c.2488_2489delAG).
Protein change: p.Ser830fs; shifts the reading frame from serine 830.
Molecular consequence: frameshift variant.
Genome position (GRCh38, 1-based): chrX:100,402,651-100,402,652, CT deleted on the plus strand (AG on the coding strand, the reverse complement: PCDH19 is on the minus strand); deleting any 2 consecutive bases within chrX:100,402,651-100,402,655 gives the same sequence; the c. name uses the placement nearest the transcript's 3' end. VCF-style (leftmost placement, unchanged base first): chrX-100402650-GCT-G. GRCh37 (hg19) VCF-style: chrX-99657648-GCT-G.
Other names: c.2347_2348del, p.Ser783fs (NM_001105243.2, NM_020766.3); short protein forms S783fs, S830fs.
Identifiers: ClinVar variation 3633199 (VCV003633199.2).
Genomic context (GRCh38, chrX:100,402,650, plus strand): 5'-ATGGTAGATGTGGTTAGCACTGGTGTTGCGGGTATTCTGGTTCTCCACATTCAGGAAAGT[GCT>G]CTCAGAGCGGCGGCAGCCCAGGGGCAGCGTCTGCTGGTGGTAGTCAAAATAGTTGAGGGA-3'